The following is an entry in ClinVar:

NM_001258392.3(CLPB):c.158G>C (p.Gly53Ala)

Genes: CLPB (ClpB family mitochondrial disaggregase; minus strand), LOC130006336 (ATAC-STARR-seq lymphoblastoid active region 5191; plus strand). Cytogenetic location: 11q13.4.
Variant type: single nucleotide variant.
Coding change: c.158G>C on transcript NM_001258392.3 (MANE Select); coding-DNA position 158, G replaced by C.
Protein change: p.Gly53Ala; replaces glycine 53 with alanine.
Molecular consequence: missense variant. On other transcripts: 5 prime UTR variant (1).
Genome position (GRCh38, 1-based): chr11:72,434,317, C>G on the plus strand (G>C on the coding strand, the complement: CLPB is on the minus strand). VCF-style: chr11-72434317-C-G. GRCh37 (hg19) VCF-style: chr11-72145361-C-G.
Other names: c.158G>C, p.Gly53Ala (NM_001258393.3, NM_030813.6); c.-85G>C (NM_001258394.3); short protein forms G53A.
Identifiers: ClinVar variation 2809514 (VCV002809514.3), dbSNP rs2496015749, ClinGen allele CA381963642.

ClinVar aggregate classification (germline): Uncertain significance (1 of 4 stars; one submission).

Conditions:
3-methylglutaconic aciduria, type VIIB (MGCA7B). Also called: CLPB Deficiency; 3-methylglutaconic aciduria with cataracts, neurologic involvement and neutropenia; 3-methylglutaconic aciduria, type VII, with cataracts, neurologic involvement and neutropenia. Identifiers: Orphanet 445038, MedGen C5676893, MONDO:0014561, OMIM 616271.

Allele frequency attached by ClinVar (database versions not stated): gnomAD exomes 0.00001.
gnomAD v4.1: 3 of 1,612,450 alleles (0.00019%); highest among the groups gnomAD compares: Non-Finnish European, 0.00025%; no homozygotes.

Submission:

Labcorp Genetics (formerly Invitae), Labcorp
Classification: Uncertain significance for 3-methylglutaconic aciduria, type VIIB. Last evaluated: 2023-12-15. Review status: criteria provided, single submitter. Criteria: Invitae Variant Classification Sherloc (09022015). Collection method: clinical testing. Allele origin: germline.
Comment: This sequence change replaces glycine, which is neutral and non-polar, with alanine, which is neutral and non-polar, at codon 53 of the CLPB protein (p.Gly53Ala). This variant is not present in population databases (gnomAD no frequency). This variant has not been reported in the literature in individuals affected with CLPB-related conditions. An algorithm developed to predict the effect of missense changes on protein structure and function (PolyPhen-2) suggests that this variant is likely to be tolerated. In summary, the available evidence is currently insufficient to determine the role of this variant in disease. Therefore, it has been classified as a Variant of Uncertain Significance.